The following is an entry in ClinVar:

NM_001242896.3(DEPDC5):c.2808T>G (p.Ile936Met)

Gene: DEPDC5 (DEP domain containing 5, GATOR1 subcomplex subunit; plus strand). Cytogenetic location: 22q12.3.
Variant type: single nucleotide variant.
Coding change: c.2808T>G on transcript NM_001242896.3 (MANE Select); coding-DNA position 2808, T replaced by G.
Protein change: p.Ile936Met; replaces isoleucine 936 with methionine.
Molecular consequence: missense variant. On other transcripts: non-coding transcript variant (5).
Genome position (GRCh38, 1-based): chr22:31,845,024, T>G. VCF-style: chr22-31845024-T-G. GRCh37 (hg19) VCF-style: chr22-32241010-T-G.
Other names: c.2781T>G, p.Ile927Met (NM_001136029.4, NM_001369903.1, NM_014662.6); c.2574T>G, p.Ile858Met (NM_001242897.2, NM_001363854.2, NM_001364319.2); c.2808T>G, p.Ile936Met (NM_001363852.2, NM_001364318.2, NM_001364320.2); c.2724T>G, p.Ile908Met (NM_001369901.1, NM_001369902.1); short protein forms I927M, I936M, I858M, I908M.
Identifiers: ClinVar variation 954990 (VCV000954990.12), dbSNP rs2091642875, ClinGen allele CA411290847.
Genomic context (GRCh38, chr22:31,845,024, plus strand): 5'-CTTTCATTATCTCCTTTCTCTCACCACCACCCTGTGTTTTCCTTGCCCCCTTAGCTTAAT[T>G]GAGTCCCTGAAGTTCTGGAGGACCCGCTTCCTGCTGCTGCCAGCCTGTGTCACCGCCACC-3'
Protein context (NP_001229825.1, residues 926-946): CSAGSEDFSL[Ile936Met]ESLKFWRTRF

ClinVar aggregate classification (germline): Uncertain significance. Review status: criteria provided, multiple submitters, no conflicts (2 of 4 stars). 2 submissions from 2 submitters: Uncertain significance (2). Last evaluated 2025-08-29.

Conditions:
Familial focal epilepsy with variable foci (FPEVF). Identifiers: Orphanet 98820, MedGen C1858477, MONDO:0020310.

Submissions (2):

GeneDx
Classification: Uncertain significance. Last evaluated: 2025-08-29. Review status: criteria provided, single submitter. Criteria: GeneDx Variant Classification Process June 2021. Collection method: clinical testing. Allele origin: germline. Affected: yes.
Comment: Not observed at significant frequency in large population cohorts (gnomAD); In silico analysis suggests that this missense variant does not alter protein structure/function; Has not been previously published as pathogenic or benign to our knowledge

Labcorp Genetics (formerly Invitae), Labcorp
Classification: Uncertain significance for Familial focal epilepsy with variable foci. Last evaluated: 2020-07-20. Review status: criteria provided, single submitter. Criteria: Invitae Variant Classification Sherloc (09022015). Collection method: clinical testing. Allele origin: germline.
Comment: This sequence change replaces isoleucine with methionine at codon 936 of the DEPDC5 protein (p.Ile936Met). The isoleucine residue is highly conserved and there is a small physicochemical difference between isoleucine and methionine. This variant is not present in population databases (ExAC no frequency). This variant has not been reported in the literature in individuals with DEPDC5-related conditions. Algorithms developed to predict the effect of missense changes on protein structure and function are either unavailable or do not agree on the potential impact of this missense change (SIFT: "Deleterious"; PolyPhen-2: "Not Available"; Align-GVGD: "Class C0"). In summary, the available evidence is currently insufficient to determine the role of this variant in disease. Therefore, it has been classified as a Variant of Uncertain Significance.